The following is an entry in ClinVar:

ClinVar aggregate classification (germline): Uncertain significance (1 of 4 stars; one submission).

Allele frequency attached by ClinVar (database versions not stated): gnomAD 0.00005; gnomAD exomes 0.00005 and 0.00009; TOPMed 0.00007; ESP Exome Variant Server 0.00008; ExAC 0.00012.
gnomAD v4.1: 77 of 1,597,990 alleles (0.0048%); highest among the groups gnomAD compares: Middle Eastern, 0.034%; 1 homozygote.

Submission:

Labcorp Genetics (formerly Invitae), Labcorp
Classification: Uncertain significance. Last evaluated: 2025-01-06. Review status: criteria provided, single submitter. Criteria: Invitae Variant Classification Sherloc (09022015). Collection method: clinical testing. Allele origin: germline.
Comment: This sequence change replaces valine, which is neutral and non-polar, with leucine, which is neutral and non-polar, at codon 176 of the NEUROG3 protein (p.Val176Leu). This variant is present in population databases (rs201453175, gnomAD 0.03%). This variant has not been reported in the literature in individuals affected with NEUROG3-related conditions. ClinVar contains an entry for this variant (Variation ID: 1355218). An algorithm developed to predict the effect of missense changes on protein structure and function (PolyPhen-2) suggests that this variant¬†is likely to be tolerated. In summary, the available evidence is currently insufficient to determine the role of this variant in disease. Therefore, it has been classified as a Variant of Uncertain Significance.

NM_020999.4(NEUROG3):c.526G>C (p.Val176Leu)

Gene: NEUROG3 (neurogenin 3; minus strand). Cytogenetic location: 10q22.1.
Variant type: single nucleotide variant.
Coding change: c.526G>C on transcript NM_020999.4 (MANE Select); coding-DNA position 526, G replaced by C.
Protein change: p.Val176Leu; replaces valine 176 with leucine.
Molecular consequence: missense variant.
Genome position (GRCh38, 1-based): chr10:69,572,518, C>G on the plus strand (G>C on the coding strand, the complement: NEUROG3 is on the minus strand). VCF-style: chr10-69572518-C-G. GRCh37 (hg19) VCF-style: chr10-71332274-C-G.
Other names: short protein forms V176L.
Identifiers: ClinVar variation 1355218 (VCV001355218.5), dbSNP rs201453175, ClinGen allele CA5533675.